The following is an entry in ClinVar:

ClinVar aggregate classification (germline): Uncertain significance. Review status: criteria provided, multiple submitters, no conflicts (2 of 4 stars). 4 submissions from 3 submitters: Uncertain significance (4). Last evaluated 2024-10-31.

Conditions:
Inborn genetic diseases. Identifiers: MedGen C0950123, MeSH D030342.
Familial cutaneous telangiectasia and oropharyngeal predisposition cancer syndrome. Identifiers: Orphanet 313846, MedGen C3281203, MONDO:0013806, OMIM 614564.
Seckel syndrome 1 (SCKL1). Also called: MICROCEPHALIC PRIMORDIAL DWARFISM I. Identifiers: Orphanet 808, MedGen C4551474, MONDO:0008869, OMIM 210600.

Allele frequency attached by ClinVar (database versions not stated): gnomAD below 0.00001 and 0.00001; ExAC 0.00001; gnomAD exomes 0.00001; TOPMed 0.00001; 1000 Genomes Project 0.00020; 1000 Genomes Project 30x 0.00031.

Submissions (4):

Ambry Genetics
Classification: Uncertain significance for Inborn genetic diseases. Last evaluated: 2024-10-31. Review status: criteria provided, single submitter. Criteria: Ambry Variant Classification Scheme 2023. Collection method: clinical testing. Allele origin: germline.
Comment: The p.G807R variant (also known as c.2419G>A), located in coding exon 11 of the ATR gene, results from a G to A substitution at nucleotide position 2419. The glycine at codon 807 is replaced by arginine, an amino acid with dissimilar properties. This amino acid position is conserved. In addition, this alteration is predicted to be tolerated by in silico analysis. Since supporting evidence is limited at this time, the clinical significance of this alteration remains unclear.

Labcorp Genetics (formerly Invitae), Labcorp
Classification: Uncertain significance. Last evaluated: 2023-12-11. Review status: criteria provided, single submitter. Criteria: Invitae Variant Classification Sherloc (09022015). Collection method: clinical testing. Allele origin: germline.
Comment: This sequence change replaces glycine, which is neutral and non-polar, with arginine, which is basic and polar, at codon 807 of the ATR protein (p.Gly807Arg). This variant is present in population databases (rs200582541, gnomAD 0.006%). This variant has not been reported in the literature in individuals affected with ATR-related conditions. ClinVar contains an entry for this variant (Variation ID: 1015971). An algorithm developed to predict the effect of missense changes on protein structure and function (PolyPhen-2) suggests that this variant is likely to be tolerated. Algorithms developed to predict the effect of sequence changes on RNA splicing suggest that this variant may disrupt the consensus splice site. In summary, the available evidence is currently insufficient to determine the role of this variant in disease. Therefore, it has been classified as a Variant of Uncertain Significance.

Genome-Nilou Lab
Classification: Uncertain significance for Seckel syndrome 1. Last evaluated: 2023-02-08. Review status: criteria provided, single submitter. Criteria: ACMG Guidelines, 2015. Collection method: clinical testing. Allele origin: germline.

Genome-Nilou Lab
Classification: Uncertain significance for Familial cutaneous telangiectasia and oropharyngeal predisposition cancer syndrome. Last evaluated: 2023-02-08. Review status: criteria provided, single submitter. Criteria: ACMG Guidelines, 2015. Collection method: clinical testing. Allele origin: germline.

NM_001184.4(ATR):c.2419G>A (p.Gly807Arg)

Gene: ATR (ATR checkpoint kinase; minus strand). Cytogenetic location: 3q23.
Variant type: single nucleotide variant.
Coding change: c.2419G>A on transcript NM_001184.4 (MANE Select); coding-DNA position 2419, G replaced by A.
Protein change: p.Gly807Arg; replaces glycine 807 with arginine.
Molecular consequence: missense variant.
Genome position (GRCh38, 1-based): chr3:142,553,938, C>T on the plus strand (G>A on the coding strand, the complement: ATR is on the minus strand). VCF-style: chr3-142553938-C-T. GRCh37 (hg19) VCF-style: chr3-142272780-C-T.
Other names: c.2227G>A, p.Gly743Arg (NM_001354579.2); short protein forms G743R, G807R.
Identifiers: ClinVar variation 1015971 (VCV001015971.12), dbSNP rs200582541, ClinGen allele CA2650362.